The following is an entry in ClinVar:

NM_001127671.2(LIFR):c.500G>A (p.Arg167His)

Gene: LIFR (LIF receptor subunit alpha; minus strand). Cytogenetic location: 5p13.1.
Variant type: single nucleotide variant.
Coding change: c.500G>A on transcript NM_001127671.2 (MANE Select); coding-DNA position 500, G replaced by A.
Protein change: p.Arg167His; replaces arginine 167 with histidine.
Molecular consequence: missense variant.
Genome position (GRCh38, 1-based): chr5:38,523,480, C>T on the plus strand (G>A on the coding strand, the complement: LIFR is on the minus strand). VCF-style: chr5-38523480-C-T. GRCh37 (hg19) VCF-style: chr5-38523582-C-T.
Other names: c.500G>A, p.Arg167His (NM_001364297.2, NM_001364298.2, NM_002310.6); short protein forms R167H.
Identifiers: ClinVar variation 2154303 (VCV002154303.2), dbSNP rs749292272, ClinGen allele CA3243193.

ClinVar aggregate classification (germline): Uncertain significance (1 of 4 stars; one submission).

gnomAD v4.1: 53 of 1,613,312 alleles (0.0033%); highest among the groups gnomAD compares: East Asian, 0.067%; no homozygotes.

Submission:

Labcorp Genetics (formerly Invitae), Labcorp
Classification: Uncertain significance. Last evaluated: 2025-05-27. Review status: criteria provided, single submitter. Criteria: Invitae Variant Classification Sherloc (09022015). Collection method: clinical testing. Allele origin: germline.
Comment: This sequence change replaces arginine, which is basic and polar, with histidine, which is basic and polar, at codon 167 of the LIFR protein (p.Arg167His). This variant is present in population databases (rs749292272, gnomAD 0.05%). This variant has not been reported in the literature in individuals affected with LIFR-related conditions. ClinVar contains an entry for this variant (Variation ID: 2154303). An algorithm developed to predict the effect of missense changes on protein structure and function outputs the following: PolyPhen-2: "Benign". The histidine amino acid residue is found in multiple mammalian species, which suggests that this missense change does not adversely affect protein function. In summary, the available evidence is currently insufficient to determine the role of this variant in disease. Therefore, it has been classified as a Variant of Uncertain Significance.